The following is an entry in ClinVar:

NM_173551.5(ANKS6):c.281T>C (p.Val94Ala)

Gene: ANKS6 (ankyrin repeat and sterile alpha motif domain containing 6; minus strand). Cytogenetic location: 9q22.33.
Variant type: single nucleotide variant.
Coding change: c.281T>C on transcript NM_173551.5 (MANE Select); coding-DNA position 281, T replaced by C.
Protein change: p.Val94Ala; replaces valine 94 with alanine.
Molecular consequence: missense variant.
Genome position (GRCh38, 1-based): chr9:98,796,211, A>G on the plus strand (T>C on the coding strand, the complement: ANKS6 is on the minus strand). VCF-style: chr9-98796211-A-G. GRCh37 (hg19) VCF-style: chr9-101558493-A-G.
Other names: short protein forms V94A.
Identifiers: ClinVar variation 798171 (VCV000798171.15), dbSNP rs538147505, ClinGen allele CA5153881.
Genomic context (GRCh38, chr9:98,796,211, plus strand): 5'-GCGCTCCAGCCGTAGTGGTTGCGGCTGTTGACCGAGGCACCGCGGCGCAGCAGGAAGCGC[A>G]CCAGCGGTTCGTGGCCCCCGGCCGCGGCGAACTGCAGTGCGGTGTTGCCCGCCTCGTCCG-3'
Protein context (NP_775822.3, residues 84-104): FAAAGGHEPL[Val94Ala]RFLLRRGASV

ClinVar aggregate classification (germline): Conflicting classifications of pathogenicity. Review status: criteria provided, conflicting classifications (1 of 4 stars). 5 submissions from 5 submitters: Uncertain significance (2); Likely benign (2). 1 of the submissions does not count toward it. Last evaluated 2025-11-10.

Conditions:
ANKS6-related disorder. Also called: ANKS6-related condition.
Inborn genetic diseases. Identifiers: MedGen C0950123, MeSH D030342.
Nephronophthisis 16 (NPHP16). Identifiers: Orphanet 655, MedGen C3809320, MONDO:0014158, OMIM 615382.

Allele frequency attached by ClinVar (database versions not stated): ExAC below 0.00001; gnomAD exomes 0.00002 and 0.00012; 1000 Genomes Project 0.00080; 1000 Genomes Project 30x 0.00109; gnomAD 0.00123 and 0.00131; TOPMed 0.00131.

Submissions (5):

Labcorp Genetics (formerly Invitae), Labcorp
Classification: Likely benign for Nephronophthisis 16. Last evaluated: 2025-11-10. Review status: criteria provided, single submitter. Criteria: Invitae Variant Classification Sherloc (09022015). Collection method: clinical testing. Allele origin: germline.

Blueprint Genetics
Classification: Likely benign. Last evaluated: 2024-10-15. Review status: criteria provided, single submitter. Criteria: ACMG Guidelines, 2015. Collection method: clinical testing. Allele origin: germline.

Ambry Genetics
Classification: Uncertain significance for Inborn genetic diseases. Last evaluated: 2022-06-24. Review status: criteria provided, single submitter. Criteria: Ambry Variant Classification Scheme 2023. Collection method: clinical testing. Allele origin: germline.

GeneDx
Classification: Uncertain significance. Last evaluated: 2022-04-20. Review status: criteria provided, single submitter. Criteria: GeneDx Variant Classification Process June 2021. Collection method: clinical testing. Allele origin: germline. Affected: yes.
Comment: In silico analysis supports that this missense variant has a deleterious effect on protein structure/function; Has not been previously published as pathogenic or benign to our knowledge

PreventionGenetics, part of Exact Sciences
Classification: Likely benign for ANKS6-related condition. Last evaluated: 2022-10-26. Review status: no assertion criteria provided. Collection method: clinical testing. Allele origin: germline. Not counted in ClinVar's aggregate classification.
Comment: This variant is classified as likely benign based on ACMG/AMP sequence variant interpretation guidelines (Richards et al. 2015 PMID: 25741868, with internal and published modifications).